The following is an entry in ClinVar:

NM_052945.4(TNFRSF13C):c.29G>A (p.Gly10Asp)

Genes: TNFRSF13C (TNF receptor superfamily member 13C; minus strand), LOC130067574 (ATAC-STARR-seq lymphoblastoid silent region 13813; plus strand). Cytogenetic location: 22q13.2.
Variant type: single nucleotide variant.
Coding change: c.29G>A on transcript NM_052945.4 (MANE Select); coding-DNA position 29, G replaced by A.
Protein change: p.Gly10Asp; replaces glycine 10 with aspartic acid.
Molecular consequence: missense variant.
Genome position (GRCh38, 1-based): chr22:41,926,745, C>T on the plus strand (G>A on the coding strand, the complement: TNFRSF13C is on the minus strand). VCF-style: chr22-41926745-C-T. GRCh37 (hg19) VCF-style: chr22-42322749-C-T.
Other names: short protein forms G10D.
Identifiers: ClinVar variation 3004742 (VCV003004742.3), dbSNP rs2518792157, ClinGen allele CA411763888.
Genomic context (GRCh38, chr22:41,926,745, plus strand): 5'-CGGACCAGCAGGTCGAAGCACTCGGCCGGGACGCAGGGCGTGGGGGCTGGCGCGTCCCTG[C>T]CCCGCAGGCTCCGGGGCCCTCGCCTCATGGTGCCGACGCCGCCGCACAAGCTGCGGGGAC-3'
Protein context (NP_443177.1, residues 1-20): MRRGPRSLR[Gly10Asp]RDAPAPTPCV

ClinVar aggregate classification (germline): Uncertain significance (1 of 4 stars; one submission).

Conditions:
Immunodeficiency, common variable, 4. Also called: ANTIBODY DEFICIENCY DUE TO BAFFR DEFECT. Identifiers: Orphanet 1572, Orphanet 696925, MedGen C3150739, MONDO:0013284, OMIM 613494.

Submission:

Labcorp Genetics (formerly Invitae), Labcorp
Classification: Uncertain significance for Immunodeficiency, common variable, 4. Last evaluated: 2023-04-11. Review status: criteria provided, single submitter. Criteria: Invitae Variant Classification Sherloc (09022015). Collection method: clinical testing. Allele origin: germline.
Comment: In summary, the available evidence is currently insufficient to determine the role of this variant in disease. Therefore, it has been classified as a Variant of Uncertain Significance. An algorithm developed to predict the effect of missense changes on protein structure and function (PolyPhen-2) suggests that this variant is likely to be disruptive. This variant has not been reported in the literature in individuals affected with TNFRSF13C-related conditions. This variant is not present in population databases (gnomAD no frequency). This sequence change replaces glycine, which is neutral and non-polar, with aspartic acid, which is acidic and polar, at codon 10 of the TNFRSF13C protein (p.Gly10Asp).